The following is an entry in ClinVar:

NM_145861.4(EDARADD):c.440G>T (p.Gly147Val)

Gene: EDARADD (EDAR associated via death domain; plus strand). Cytogenetic location: 1q43.
Variant type: single nucleotide variant.
Coding change: c.440G>T on transcript NM_145861.4 (MANE Select); coding-DNA position 440, G replaced by T.
Protein change: p.Gly147Val; replaces glycine 147 with valine.
Molecular consequence: missense variant.
Genome position (GRCh38, 1-based): chr1:236,482,441, G>T. VCF-style: chr1-236482441-G-T. GRCh37 (hg19) VCF-style: chr1-236645741-G-T.
Other names: c.374G>T, p.Gly125Val (NM_001422628.1); c.410G>T, p.Gly137Val (NM_080738.5); short protein forms G137V, G147V, G125V.
Identifiers: ClinVar variation 1028539 (VCV001028539.1), dbSNP rs1659704734, ClinGen allele CA345354058.

ClinVar aggregate classification (germline): Uncertain significance (1 of 4 stars; one submission).

Conditions:
Ectodermal dysplasia 11B, hypohidrotic/hair/tooth type, autosomal recessive. Identifiers: Orphanet 238468, Orphanet 248, MedGen C3539920, MONDO:0013983, OMIM 614941.

Submission:

Baylor Genetics
Classification: Uncertain significance for Ectodermal dysplasia 11B, hypohidrotic/hair/tooth type, autosomal recessive. Last evaluated: 2019-12-19. Review status: criteria provided, single submitter. Criteria: ACMG Guidelines, 2015. Collection method: clinical testing. Allele origin: unknown. Affected: yes.
Comment: This variant was determined to be of uncertain significance according to ACMG Guidelines, 2015 [PMID:25741868].